The following is an entry in ClinVar:

ClinVar aggregate classification (germline): Uncertain significance (1 of 4 stars; one submission).

Submission:

GeneDx
Classification: Uncertain significance. Last evaluated: 2019-12-10. Review status: criteria provided, single submitter. Criteria: GeneDx Variant Classification Process June 2021. Collection method: clinical testing. Allele origin: germline. Affected: yes.
Comment: Has not been previously published as pathogenic or benign to our knowledge; Not observed in large population cohorts (Lek et al., 2016); In silico analysis, which includes protein predictors and evolutionary conservation, supports a deleterious effect

NM_001134363.3(RBM20):c.2381G>C (p.Arg794Thr)

Gene: RBM20 (RNA binding motif protein 20; plus strand). Cytogenetic location: 10q25.2.
Variant type: single nucleotide variant.
Coding change: c.2381G>C on transcript NM_001134363.3 (MANE Select); coding-DNA position 2381, G replaced by C.
Protein change: p.Arg794Thr; replaces arginine 794 with threonine.
Molecular consequence: missense variant.
Genome position (GRCh38, 1-based): chr10:110,812,778, G>C. VCF-style: chr10-110812778-G-C. GRCh37 (hg19) VCF-style: chr10-112572536-G-C.
Other names: short protein forms R794T.
Identifiers: ClinVar variation 1194288 (VCV001194288.2), dbSNP rs893252924, ClinGen allele CA378373644.